The following is an entry in ClinVar:

ClinVar aggregate classification (germline): Uncertain significance. Review status: criteria provided, multiple submitters, no conflicts (2 of 4 stars). 3 submissions from 3 submitters: Uncertain significance (3). Last evaluated 2025-10-01.

Conditions:
DiGeorge syndrome. Also called: THIRD AND FOURTH PHARYNGEAL POUCH SYNDROME; Catch22. Identifiers: Orphanet 567, MedGen C0012236, MONDO:0008564, OMIM 188400.

Submissions (3):

CeGaT Center for Human Genetics Tuebingen
Classification: Uncertain significance. Last evaluated: 2025-10-01. Review status: criteria provided, single submitter. Criteria: CeGaT Center For Human Genetics Tuebingen Variant Classification Criteria Version 2. Collection method: clinical testing. Allele origin: germline. Affected: yes. Observed: 1 variant allele.
Comment: TBX1: PM2, PP3

Labcorp Genetics (formerly Invitae), Labcorp
Classification: Uncertain significance for DiGeorge syndrome. Last evaluated: 2023-01-15. Review status: criteria provided, single submitter. Criteria: Invitae Variant Classification Sherloc (09022015). Collection method: clinical testing. Allele origin: germline.
Comment: This variant is not present in population databases (gnomAD no frequency). This sequence change replaces arginine, which is basic and polar, with tryptophan, which is neutral and slightly polar, at codon 138 of the TBX1 protein (p.Arg138Trp). In summary, the available evidence is currently insufficient to determine the role of this variant in disease. Therefore, it has been classified as a Variant of Uncertain Significance. Algorithms developed to predict the effect of missense changes on protein structure and function (SIFT, PolyPhen-2, Align-GVGD) all suggest that this variant is likely to be disruptive. ClinVar contains an entry for this variant (Variation ID: 1303912). This missense change has been observed in individual(s) with left ventricular noncompaction cardiomyopathy (LVNC) (PMID: 28798025).

GeneDx
Classification: Uncertain significance. Last evaluated: 2019-11-20. Review status: criteria provided, single submitter. Criteria: GeneDx Variant Classification Process June 2021. Collection method: clinical testing. Allele origin: germline. Affected: yes.
Comment: Not observed in large population cohorts (Lek et al., 2016); In silico analysis, which includes protein predictors and evolutionary conservation, supports a deleterious effect; Identified in published literature (Miszalski-Jamka et al., 2017) by exome sequencing in a patient with left ventricular noncompaction who also harbored a variant in the LAMA4 gene; This variant is associated with the following publications: (PMID: 28798025)

Literature cited by the submitters: PubMed 28798025 (cited by Labcorp Genetics (formerly Invitae), Labcorp).

NM_001379200.1(TBX1):c.439C>T (p.Arg147Trp)

Gene: TBX1 (T-box transcription factor 1; plus strand). Cytogenetic location: 22q11.21.
Variant type: single nucleotide variant.
Coding change: c.439C>T on transcript NM_001379200.1 (MANE Select); coding-DNA position 439, C replaced by T.
Protein change: p.Arg147Trp; replaces arginine 147 with tryptophan.
Molecular consequence: missense variant.
Genome position (GRCh38, 1-based): chr22:19,763,242, C>T. VCF-style: chr22-19763242-C-T. GRCh37 (hg19) VCF-style: chr22-19750765-C-T.
Other names: c.412C>T, p.Arg138Trp (NM_005992.1, NM_080646.2, NM_080647.1); short protein forms R138W, R147W.
Identifiers: ClinVar variation 1303912 (VCV001303912.11), dbSNP rs1936724586, ClinGen allele CA410682059.